The following is an entry in ClinVar:

ClinVar aggregate classification (germline): Benign. Review status: reviewed by expert panel (3 of 4 stars). 15 submissions from 15 submitters: Benign (1). 14 of the submissions do not count toward it. Last evaluated 2015-08-10.

Conditions:
BRCA1-related disorder. Also called: BRCA1-related condition.
BRCA1-related cancer predisposition. Identifiers: MedGen CN377757, MONDO:0700268.
Hereditary cancer-predisposing syndrome. Also called: Tumor predisposition; Neoplastic Syndromes, Hereditary; Hereditary Cancer Syndrome; Hereditary neoplastic syndrome. Identifiers: Orphanet 140162, MedGen C0027672, MeSH D009386, MONDO:0015356.
Hereditary breast ovarian cancer syndrome. Also called: Hereditary breast and ovarian cancer syndrome (HBOC); Hereditary breast and ovarian cancer syndrome; Hereditary breast and ovarian cancer; Hereditary breast and/or ovarian cancer syndrome; Breast and ovarian cancer; BRCA1- and BRCA2-Associated Hereditary Breast and Ovarian Cancer. Identifiers: Orphanet 145, MedGen C0677776, MeSH D061325, MONDO:0003582. Disease mechanism: loss of function.
Breast-ovarian cancer, familial, susceptibility to, 1 (BROVCA1). Also called: OVARIAN CANCER, SUSCEPTIBILITY TO; BRCA1 Hereditary Breast and Ovarian Cancer. Identifiers: Orphanet 145, MedGen C2676676, MONDO:0011450, OMIM 604370. Disease mechanism: loss of function.

Allele frequency attached by ClinVar (database versions not stated): ExAC 0.00002; gnomAD 0.00002; gnomAD exomes 0.00002; TOPMed 0.00002.

Submissions (16):

Evidence-based Network for the Interpretation of Germline Mutant Alleles (ENIGMA)
Classification: Benign for Breast-ovarian cancer, familial 1. Last evaluated: 2015-08-10. Review status: reviewed by expert panel. Criteria: ENIGMA BRCA1/2 Classification Criteria (2015). Collection method: curation. Allele origin: germline.
Comment: IARC class based on posterior probability from multifactorial likelihood analysis, thresholds for class as per Plon et al. 2008 (PMID: 18951446). Class 1 based on posterior probability = 0.00011

Labcorp Genetics (formerly Invitae), Labcorp
Classification: Benign for Hereditary breast ovarian cancer syndrome. Last evaluated: 2026-01-17. Review status: criteria provided, single submitter. Criteria: Invitae Variant Classification Sherloc (09022015). Collection method: clinical testing. Allele origin: germline. Not counted in ClinVar's aggregate classification.

PreventionGenetics, part of Exact Sciences
Classification: Likely benign for BRCA1-related condition. Last evaluated: 2026-01-06. Review status: criteria provided, single submitter. Criteria: ACMG Guidelines, 2015. Collection method: clinical testing. Allele origin: germline. Not counted in ClinVar's aggregate classification.
Comment: This variant is classified as likely benign based on ACMG/AMP sequence variant interpretation guidelines (Richards et al. 2015 PMID: 25741868, with internal and published modifications).

Center for Genomic Medicine, Rigshospitalet, Copenhagen University Hospital
Classification: Benign. Last evaluated: 2025-12-29. Review status: criteria provided, single submitter. Criteria: ACMG Guidelines, 2015. Collection method: clinical testing. Allele origin: germline. Not counted in ClinVar's aggregate classification.

All of Us Research Program, National Institutes of Health
Classification: Likely benign for BRCA1-related cancer predisposition. Last evaluated: 2024-08-30. Review status: criteria provided, single submitter. Criteria: ACMG Guidelines, 2015. Collection method: clinical testing. Allele origin: germline. Inheritance: Autosomal dominant inheritance. Observed: 8 variant alleles, 8 heterozygotes. Not counted in ClinVar's aggregate classification.
Comment: This study involves interpretation of variants in research participants for the purpose of population health screening. Participant phenotype was not available at the time of variant classification. Additional details can be found in publication PMID: 35346344, PMCID: PMC8962531

Women's Health and Genetics/Laboratory Corporation of America, LabCorp
Classification: Benign. Last evaluated: 2021-03-28. Review status: criteria provided, single submitter. Criteria: LabCorp Variant Classification Summary - May 2015. Collection method: clinical testing. Allele origin: germline. Not counted in ClinVar's aggregate classification.
Comment: Variant summary: BRCA1 c.4955T>C (p.Met1652Thr) results in a non-conservative amino acid change located in the BRCT domain of the encoded protein sequence. Three of five in-silico tools predict a benign effect of the variant on protein function. Several computational studies predicted a neutral outcome for the variant (Pruss 2014, Carvalho 2014, Woods 2016), though one study predicted the variant to be deleterious (Karchin 2007). A study based on comparative evolutionary methods predicted a deleterious outcome for this variant (p.Met1652Thr) and another variant affecting this amino acid position (p.Met1652Ile) (Pavlicek 2004), however p.Met1652Ile (c.4956G>A) was classified as benign by our laboratory, indicating that missense changes might tolerated at this position. The variant allele was found at a frequency of 2e-05 in 250978 control chromosomes. The available data on variant occurrences in the general population are insufficient to allow any conclusion about variant significance. c.4955T>C has been reported in the literature in individuals affected with Hereditary Breast And Ovarian Cancer (example, Huusko 1998, Meindl 2002, Solano 2013). These report(s) do not provide unequivocal conclusions about association of the variant with Hereditary Breast And Ovarian Cancer Syndrome. At-least one co-occurrence with another pathogenic variant has been observed at our laboratory (BRCA2 c.1813dupA, p.I605fs*11), providing supporting evidence for a benign role. Several publications report experimental evidence evaluating an impact on protein function. In an in vitro functional study the variant was reported to have no functional effect on transcriptional activation, phosphopeptide binding and limited proteolysis (that was used to assess the protein folding stability) (Lee 2010), however another study assessing proliferation rate of yeast cell transformants indicated a possible functional defect (Coyne 2004), though this later assay does not provide a direct evidence on protein function. Indeed, a later in vitro study found that this variant (Met1652Thr) cannot be correctly classified by these type of yeast assays (Thouvenot 2016). More recently this variant was not found to have any impact on homology directed repair (HDR) in a high throughput assay utilizing saturation genome editing (example, Findlay_2018). Multifactorial probability models, performing systematic assessments of variants of unknown significance in the BRCA genes, which included analysis of co-occurrence in trans with known deleterious mutations, personal and family history of cancer, and co-segregation with disease in pedigrees predicted this variant to be neutral (Easton 2007 and Lindor 2012). Multiple clinical diagnostic laboratories and one expert panel (ENIGMA) have submitted clinical-significance assessments for this variant to ClinVar after 2014 without evidence for independent evaluation. All submitters classified the variant as benign (n=2, including expert panel)/likely benign (n=4). Based on the evidence outlined above, the variant was classified as benign.

GeneDx
Classification: Likely benign. Last evaluated: 2020-09-17. Review status: criteria provided, single submitter. Criteria: GeneDx Variant Classification Process June 2021. Collection method: clinical testing. Allele origin: germline. Affected: yes. Not counted in ClinVar's aggregate classification.
Comment: This variant is associated with the following publications: (PMID: 25782689, 20516115, 17305420, 15184261, 21990134, 17924331, 9585608, 25085752, 15172985, 12457999, 15004537, 27272900, 28781887, 30209399, 30765603, 33087888)

Mendelics
Classification: Likely benign for Breast-ovarian cancer, familial, susceptibility to, 1. Last evaluated: 2019-05-28. Review status: criteria provided, single submitter. Criteria: Mendelics Assertion Criteria 2017. Collection method: clinical testing. Allele origin: unknown. Not counted in ClinVar's aggregate classification.

Genetic Services Laboratory, University of Chicago
Classification: Likely benign. Last evaluated: 2019-05-03. Review status: criteria provided, single submitter. Criteria: ACMG Guidelines, 2015. Collection method: clinical testing. Allele origin: germline. Affected: no. Not counted in ClinVar's aggregate classification.

Color Diagnostics, LLC DBA Color Health
Classification: Likely benign for Hereditary cancer-predisposing syndrome. Last evaluated: 2017-01-17. Review status: criteria provided, single submitter. Criteria: ACMG Guidelines, 2015. Collection method: clinical testing. Allele origin: germline. Not counted in ClinVar's aggregate classification.

Ambry Genetics
Classification: Benign for Hereditary cancer-predisposing syndrome. Last evaluated: 2014-11-18. Review status: criteria provided, single submitter. Criteria: Ambry Variant Classification Scheme 2023. Collection method: clinical testing. Allele origin: germline. Not counted in ClinVar's aggregate classification.

True Health Diagnostics
Classification: Likely benign for Hereditary cancer-predisposing syndrome. Last evaluated: 2017-08-28. Review status: no assertion criteria provided. Collection method: clinical testing. Allele origin: germline. Not counted in ClinVar's aggregate classification.

Counsyl
Classification: Likely benign for Breast-ovarian cancer, familial 1. Last evaluated: 2014-07-23. Review status: no assertion criteria provided. Collection method: literature only. Allele origin: unknown. Inheritance: Autosomal dominant inheritance. Not counted in ClinVar's aggregate classification.

Sharing Clinical Reports Project (SCRP)
Classification: Benign for Breast-ovarian cancer, familial 1. Last evaluated: 2010-06-01. Review status: no assertion criteria provided. Collection method: clinical testing. Allele origin: germline. Not counted in ClinVar's aggregate classification.

Breast Cancer Information Core (BIC) (BRCA1)
Classification: Uncertain significance for Breast-ovarian cancer, familial 1. Last evaluated: 2002-05-29. Review status: no assertion criteria provided. Collection method: clinical testing. Allele origin: germline. Affected: yes. Observed: 5 variant alleles. Not counted in ClinVar's aggregate classification.

Brotman Baty Institute, University of Washington
No classification provided (evidence only). Condition: Breast-ovarian cancer, familial 1. Review status: no classification provided. Collection method: in vitro. Allele origin: not applicable. Functional consequence: functionally_normal. Not counted in ClinVar's aggregate classification.
ClinVar note: "not provided" was previously submitted as the classification for the variant. However, the classification appeared to be based only on an observation of functional data so it was converted to no classification on 2025-07-30.

Literature cited by the submitters: PubMed 21990134 (cited by 3 submitters); PubMed 15385441 (cited by Women's Health and Genetics/Laboratory Corporation of America, LabCorp); PubMed 17924331 (cited by Women's Health and Genetics/Laboratory Corporation of America, LabCorp and Counsyl); PubMed 15172985 (cited by Women's Health and Genetics/Laboratory Corporation of America, LabCorp and Counsyl); PubMed 20516115 (cited by Women's Health and Genetics/Laboratory Corporation of America, LabCorp and Counsyl); PubMed 17305420 (cited by Women's Health and Genetics/Laboratory Corporation of America, LabCorp and Counsyl); PubMed 22753008 (cited by Women's Health and Genetics/Laboratory Corporation of America, LabCorp); PubMed 11802209 (cited by Women's Health and Genetics/Laboratory Corporation of America, LabCorp); PubMed 12457999 (cited by Women's Health and Genetics/Laboratory Corporation of America, LabCorp); PubMed 23961350 (cited by Women's Health and Genetics/Laboratory Corporation of America, LabCorp); PubMed 9585608 (cited by Women's Health and Genetics/Laboratory Corporation of America, LabCorp and Counsyl); PubMed 15004537 (cited by Women's Health and Genetics/Laboratory Corporation of America, LabCorp); PubMed 25085752 (cited by Women's Health and Genetics/Laboratory Corporation of America, LabCorp); PubMed 24845084 (cited by Women's Health and Genetics/Laboratory Corporation of America, LabCorp); PubMed 25782689 (cited by Women's Health and Genetics/Laboratory Corporation of America, LabCorp); PubMed 27272900 (cited by Women's Health and Genetics/Laboratory Corporation of America, LabCorp); PubMed 30209399 (cited by Women's Health and Genetics/Laboratory Corporation of America, LabCorp); PubMed 28781887 (cited by Women's Health and Genetics/Laboratory Corporation of America, LabCorp); PubMed 15184261 (cited by Women's Health and Genetics/Laboratory Corporation of America, LabCorp and Counsyl).

NM_007294.4(BRCA1):c.4955T>C (p.Met1652Thr)

Gene: BRCA1 (BRCA1 DNA repair associated; minus strand). Cytogenetic location: 17q21.31.
Variant type: single nucleotide variant.
Coding change: c.4955T>C on transcript NM_007294.4 (MANE Select); coding-DNA position 4955, T replaced by C.
Protein change: p.Met1652Thr; replaces methionine 1652 with threonine.
Molecular consequence: missense variant. On other transcripts: non-coding transcript variant (1).
Genome position (GRCh38, 1-based): chr17:43,070,959, A>G on the plus strand (T>C on the coding strand, the complement: BRCA1 is on the minus strand). VCF-style: chr17-43070959-A-G. GRCh37 (hg19) VCF-style: chr17-41222976-A-G.
Other names: p.M1652T:ATG>ACG; 5074T>C; m1652T; c.1526T>C, p.Met509Thr (NM_001408424.1, NM_001408421.1, NM_001408422.1 and 1 more transcripts); c.1523T>C, p.Met508Thr (NM_001408425.1, NM_001408426.1, NM_001408427.1 and 4 more transcripts); c.1520T>C, p.Met507Thr (NM_001408432.1, NM_001408433.1, NM_001408434.1 and 10 more transcripts); c.1517T>C, p.Met506Thr (NM_001408445.1, NM_001408446.1, NM_001408447.1 and 2 more transcripts); c.1511T>C, p.Met504Thr (NM_001408451.1); and 73 more; short protein forms M1652T, M1673T, M1605T, M548T, M1539T, M1583T, M1585T, M1603T.
Identifiers: ClinVar variation 37615 (VCV000037615.35), dbSNP rs80356968, ClinGen allele CA003102.